The following is an entry in ClinVar:

ClinVar aggregate classification (germline): Likely benign (1 of 4 stars; one submission).

Conditions:
SLC51A-related disorder. Also called: SLC51A-related condition.

gnomAD v4.1: 12 of 1,604,292 alleles (0.00075%); highest among the groups gnomAD compares: Non-Finnish European, 0.001%; no homozygotes.

Submission:

PreventionGenetics, part of Exact Sciences
Classification: Likely benign for SLC51A-related condition. Last evaluated: 2026-01-25. Review status: criteria provided, single submitter. Criteria: ACMG Guidelines, 2015. Collection method: clinical testing. Allele origin: germline.
Comment: This variant is classified as likely benign based on ACMG/AMP sequence variant interpretation guidelines (Richards et al. 2015 PMID: 25741868, with internal and published modifications).

NM_152672.6(SLC51A):c.886+9G>A

Gene: SLC51A (solute carrier family 51 member A; plus strand). Cytogenetic location: 3q29.
Variant type: single nucleotide variant.
Coding change: c.886+9G>A on transcript NM_152672.6 (MANE Select); 9 bases into the intron after coding-DNA position 886, G replaced by A.
Molecular consequence: intron variant.
Genome position (GRCh38, 1-based): chr3:196,232,533, G>A. VCF-style: chr3-196232533-G-A. GRCh37 (hg19) VCF-style: chr3-195959404-G-A.
Identifiers: ClinVar variation 4977951 (VCV004977951.1).
Genomic context (GRCh38, chr3:196,232,533, plus strand): 5'-GGTGGGCAGATTGCTTGTTCGCCTCCCTATTCCTCTAAAACCAGGTCTCAAGGTGAGCAC[G>A]TTAAGCCTCCTGTCCCATCGTGGGATGGATGAGACGGGGAGAGTCAGGAAAGAAGGGGCC-3'